The following is an entry in ClinVar:

ClinVar aggregate classification (germline): Uncertain significance (1 of 4 stars; one submission).

gnomAD v4.1: 1 of 1,189,002 alleles (0.000084%); highest among the groups gnomAD compares: Non-Finnish European, 0.00011%; no homozygotes.

Submission:

Labcorp Genetics (formerly Invitae), Labcorp
Classification: Uncertain significance. Last evaluated: 2024-02-24. Review status: criteria provided, single submitter. Criteria: Invitae Variant Classification Sherloc (09022015). Collection method: clinical testing. Allele origin: germline.
Comment: This sequence change replaces arginine, which is basic and polar, with proline, which is neutral and non-polar, at codon 180 of the ATP6AP1 protein (p.Arg180Pro). This variant is not present in population databases (gnomAD no frequency). This variant has not been reported in the literature in individuals affected with ATP6AP1-related conditions. ClinVar contains an entry for this variant (Variation ID: 2120601). Advanced modeling of protein sequence and biophysical properties (such as structural, functional, and spatial information, amino acid conservation, physicochemical variation, residue mobility, and thermodynamic stability) has been performed at Invitae for this missense variant, however the output from this modeling did not meet the statistical confidence thresholds required to predict the impact of this variant on ATP6AP1 protein function. In summary, the available evidence is currently insufficient to determine the role of this variant in disease. Therefore, it has been classified as a Variant of Uncertain Significance.

NM_001183.6(ATP6AP1):c.539G>C (p.Arg180Pro)

Gene: ATP6AP1 (ATPase H+ transporting accessory protein 1; plus strand). Cytogenetic location: Xq28.
Variant type: single nucleotide variant.
Coding change: c.539G>C on transcript NM_001183.6 (MANE Select); coding-DNA position 539, G replaced by C.
Protein change: p.Arg180Pro; replaces arginine 180 with proline.
Molecular consequence: missense variant.
Genome position (GRCh38, 1-based): chrX:154,432,441, G>C. VCF-style: chrX-154432441-G-C. GRCh37 (hg19) VCF-style: chrX-153660787-G-C.
Other names: short protein forms R180P.
Identifiers: ClinVar variation 2120601 (VCV002120601.4), dbSNP rs140841742, ClinGen allele CA415190049.